The following is an entry in ClinVar:

ClinVar aggregate classification (germline): Uncertain significance. Review status: criteria provided, multiple submitters, no conflicts (2 of 4 stars). 3 submissions from 3 submitters: Uncertain significance (2). 1 of the submissions does not count toward it. Last evaluated 2025-01-20.

Conditions:
Inborn genetic diseases. Identifiers: MedGen C0950123, MeSH D030342.
Autosomal recessive polycystic kidney disease (ARPKD). Also called: AR polycystic kidney disease. Identifiers: Orphanet 731, Orphanet 8378, MedGen C0085548, MeSH D017044, MONDO:0009889.

Allele frequency attached by ClinVar (database versions not stated): gnomAD 0.00001; TOPMed 0.00002; ESP Exome Variant Server 0.00008.
gnomAD v4.1: 51 of 1,614,022 alleles (0.0032%); highest among the groups gnomAD compares: African/African-American, 0.004%; no homozygotes.

Submissions (3):

Ambry Genetics
Classification: Uncertain significance for Inborn genetic diseases. Last evaluated: 2025-01-20. Review status: criteria provided, single submitter. Criteria: Ambry Variant Classification Scheme 2023. Collection method: clinical testing. Allele origin: germline.

Women's Health and Genetics/Laboratory Corporation of America, LabCorp
Classification: Uncertain significance. Last evaluated: 2016-07-11. Review status: criteria provided, single submitter. Criteria: LabCorp Variant Classification Summary - May 2015. Collection method: clinical testing. Allele origin: germline.
Comment: Variant summary: The PKHD1 c.262G>A (p.Val88Leu) variant involves the alteration of a non-conserved nucleotide. 4/4 in silico tools predict a benign outcome for this variant (SNPs&GO not captured due to UniProt ID not being available in program). Val88 is not located in a known functional domain of Fibrocystin. However, these predictions have yet to be confirmed by functional studies. This variant was not found in 121350 control chromosomes and has not, to our knowledge, been reported in affected individuals via publications; nor evaluated for functional impact by in vivo/vitro studies. Because of the absence of clinical information and the lack of functional studies, the variant is classified as a variant of uncertain significance (VUS) until additional information becomes available.

Natera, Inc.
Classification: Uncertain significance for Autosomal recessive polycystic kidney disease. Last evaluated: 2020-09-16. Review status: no assertion criteria provided. Collection method: clinical testing. Allele origin: germline. Not counted in ClinVar's aggregate classification.

NM_138694.4(PKHD1):c.262G>C (p.Val88Leu)

Gene: PKHD1 (PKHD1 ciliary IPT domain containing fibrocystin/polyductin; minus strand). Cytogenetic location: 6p12.2.
Variant type: single nucleotide variant.
Coding change: c.262G>C on transcript NM_138694.4 (MANE Select); coding-DNA position 262, G replaced by C.
Protein change: p.Val88Leu; replaces valine 88 with leucine.
Molecular consequence: missense variant.
Genome position (GRCh38, 1-based): chr6:52,082,411, C>G on the plus strand (G>C on the coding strand, the complement: PKHD1 is on the minus strand). VCF-style: chr6-52082411-C-G. GRCh37 (hg19) VCF-style: chr6-51947209-C-G.
Other names: c.262G>C, p.Val88Leu (NM_170724.3); short protein forms V88L.
Identifiers: ClinVar variation 496518 (VCV000496518.3), dbSNP rs374447352, ClinGen allele CA138934404.